The following is an entry in ClinVar:

ClinVar aggregate classification (germline): Uncertain significance. Review status: criteria provided, single submitter (1 of 4 stars). 2 submissions from 2 submitters: Uncertain significance (1). 1 of the submissions does not count toward it. Last evaluated 2026-07-07.

Conditions:
Hereditary cancer-predisposing syndrome. Also called: Tumor predisposition; Hereditary Cancer Syndrome; Hereditary neoplastic syndrome; Neoplastic Syndromes, Hereditary. Identifiers: Orphanet 140162, MedGen C0027672, MeSH D009386, MONDO:0015356.
BRIP1-related disorder. Also called: BRIP1-related condition; BRIP1-related disorders. Identifiers: MedGen CN239206.

Submissions (2):

Ambry Genetics
Classification: Uncertain significance for Hereditary cancer-predisposing syndrome. Last evaluated: 2026-07-07. Review status: criteria provided, single submitter. Criteria: Ambry Variant Classification Scheme 2023. Collection method: clinical testing. Allele origin: germline.
Comment: The p.I952T variant (also known as c.2855T>C), located in coding exon 18 of the BRIP1 gene, results from a T to C substitution at nucleotide position 2855. The isoleucine at codon 952 is replaced by threonine, an amino acid with similar properties. This amino acid position is conserved. In addition, this alteration is predicted to be tolerated by in silico analysis. Based on the available evidence, the clinical significance of this variant remains unclear.

PreventionGenetics, part of Exact Sciences
Classification: Uncertain significance for BRIP1-related condition. Last evaluated: 2024-09-25. Review status: no assertion criteria provided. Collection method: clinical testing. Allele origin: germline. Not counted in ClinVar's aggregate classification.
Comment: The BRIP1 c.2855T>C variant is predicted to result in the amino acid substitution p.Ile952Thr. To our knowledge, this variant has not been reported in the literature or in a large population database, indicating this variant is rare. This variant has not been interpreted in ClinVar. At this time, the clinical significance of this variant is uncertain due to the absence of conclusive functional and genetic evidence.

NM_032043.3(BRIP1):c.2855T>C (p.Ile952Thr)

Gene: BRIP1 (BRCA1 interacting DNA helicase 1; minus strand). Cytogenetic location: 17q23.2.
Variant type: single nucleotide variant.
Coding change: c.2855T>C on transcript NM_032043.3 (MANE Select); coding-DNA position 2855, T replaced by C.
Protein change: p.Ile952Thr; replaces isoleucine 952 with threonine.
Molecular consequence: missense variant.
Genome position (GRCh38, 1-based): chr17:61,685,886, A>G on the plus strand (T>C on the coding strand, the complement: BRIP1 is on the minus strand). VCF-style: chr17-61685886-A-G. GRCh37 (hg19) VCF-style: chr17-59763247-A-G.
Other names: short protein forms I952T.
Identifiers: ClinVar variation 3344855 (VCV003344855.2).